The following is an entry in ClinVar:

NM_004055.5(CAPN5):c.698A>G (p.Lys233Arg)

Gene: CAPN5 (calpain 5; plus strand). Cytogenetic location: 11q13.5.
Variant type: single nucleotide variant.
Coding change: c.698A>G on transcript NM_004055.5 (MANE Select); coding-DNA position 698, A replaced by G.
Protein change: p.Lys233Arg; replaces lysine 233 with arginine.
Molecular consequence: missense variant.
Genome position (GRCh38, 1-based): chr11:77,114,433, A>G. VCF-style: chr11-77114433-A-G. GRCh37 (hg19) VCF-style: chr11-76825479-A-G.
Other names: c.698A>G (NM_004055.4); short protein forms K233R.
Identifiers: ClinVar variation 1412803 (VCV001412803.9), dbSNP rs782458870, ClinGen allele CA6196506.

ClinVar aggregate classification (germline): Uncertain significance. Review status: criteria provided, multiple submitters, no conflicts (2 of 4 stars). 2 submissions from 2 submitters: Uncertain significance (2). Last evaluated 2025-12-30.

Conditions:
Inborn genetic diseases. Identifiers: MedGen C0950123, MeSH D030342.

Allele frequency attached by ClinVar (database versions not stated): ExAC 0.00001; gnomAD exomes 0.00003 and 0.00005; TOPMed 0.00006; gnomAD 0.00011.
gnomAD v4.1: 33 of 1,613,986 alleles (0.002%); highest among the groups gnomAD compares: Admixed American, 0.053%; no homozygotes.

Submissions (2):

Ambry Genetics
Classification: Uncertain significance for Inborn genetic diseases. Last evaluated: 2025-12-30. Review status: criteria provided, single submitter. Criteria: Ambry Variant Classification Scheme 2023. Collection method: clinical testing. Allele origin: germline.
Comment: The c.698A>G (p.K233R) alteration is located in exon 5 (coding exon 4) of the CAPN5 gene. This alteration results from a A to G substitution at nucleotide position 698, causing the lysine (K) at amino acid position 233 to be replaced by an arginine (R). Based on data from gnomAD, the G allele has an overall frequency of 0.005% (12/251072) total alleles studied. The highest observed frequency was 0.032% (11/34576) of Latino alleles. Based on insufficient or conflicting evidence, the clinical significance of this alteration remains unclear.

Labcorp Genetics (formerly Invitae), Labcorp
Classification: Uncertain significance. Last evaluated: 2025-12-15. Review status: criteria provided, single submitter. Criteria: Invitae Variant Classification Sherloc (09022015). Collection method: clinical testing. Allele origin: germline.
Comment: This sequence change replaces lysine, which is basic and polar, with arginine, which is basic and polar, at codon 233 of the CAPN5 protein (p.Lys233Arg). This variant is present in population databases (rs782458870, gnomAD 0.03%). This variant has not been reported in the literature in individuals affected with CAPN5-related conditions. ClinVar contains an entry for this variant (Variation ID: 1412803). An algorithm developed to predict the effect of missense changes on protein structure and function (PolyPhen-2) suggests that this variant is likely to be tolerated. Algorithms developed to predict the effect of sequence changes on RNA splicing suggest that this variant may disrupt the consensus splice site. In summary, the available evidence is currently insufficient to determine the role of this variant in disease. Therefore, it has been classified as a Variant of Uncertain Significance.